The following is an entry in ClinVar:

ClinVar aggregate classification (germline): Uncertain significance. Review status: criteria provided, multiple submitters, no conflicts (2 of 4 stars). 5 submissions from 5 submitters: Uncertain significance (5). Last evaluated 2026-01-12.

Conditions:
Marfan syndrome (MFS). Also called: Marfan syndrome, classic; FBN1-Related Marfan Syndrome; Marfan syndrome type 1; Marfan's syndrome; MARFAN SYNDROME, TYPE I. Identifiers: Orphanet 284963, Orphanet 558, MedGen C0024796, MONDO:0007947, OMIM 154700.
Familial thoracic aortic aneurysm and aortic dissection (TAAD). Also called: Thoracic aortic aneurysms and dissections. Identifiers: Orphanet 91387, MedGen C4707243, MONDO:0019625.

Allele frequency attached by ClinVar (database versions not stated): gnomAD exomes 0.00003; ESP Exome Variant Server 0.00008; ExAC 0.00001.
gnomAD v4.1: 46 of 1,613,738 alleles (0.0029%); highest among the groups gnomAD compares: Non-Finnish European, 0.0039%; no homozygotes.

Submissions (5):

Women's Health and Genetics/Laboratory Corporation of America, LabCorp
Classification: Uncertain significance. Last evaluated: 2026-01-12. Review status: criteria provided, single submitter. Criteria: LabCorp Variant Classification Summary - May 2015. Collection method: clinical testing. Allele origin: germline.
Comment: Variant summary: FBN1 c.6707A>T (p.Tyr2236Phe) results in a conservative amino acid change in the encoded protein sequence. Algorithms developed to predict the effect of missense changes on protein structure and function are either unavailable or do not agree on the potential impact of this missense change. The variant was absent in 251038 control chromosomes. The available data on variant occurrences in the general population are insufficient to allow any conclusion about variant significance. To our knowledge, no occurrence of c.6707A>T in individuals affected with FBN1-related conditions and no experimental evidence demonstrating its impact on protein function have been reported. ClinVar contains an entry for this variant (Variation ID: 200092). Based on the evidence outlined above, the variant was classified as uncertain significance.

Labcorp Genetics (formerly Invitae), Labcorp
Classification: Uncertain significance for Marfan syndrome; Familial thoracic aortic aneurysm and aortic dissection. Last evaluated: 2025-06-09. Review status: criteria provided, single submitter. Criteria: Invitae Variant Classification Sherloc (09022015). Collection method: clinical testing. Allele origin: germline.
Comment: This sequence change replaces tyrosine, which is neutral and polar, with phenylalanine, which is neutral and non-polar, at codon 2236 of the FBN1 protein (p.Tyr2236Phe). This variant is present in population databases (rs368439899, gnomAD 0.0009%). This variant has not been reported in the literature in individuals affected with FBN1-related conditions. ClinVar contains an entry for this variant (Variation ID: 200092). Invitae Evidence Modeling of protein sequence and biophysical properties (such as structural, functional, and spatial information, amino acid conservation, physicochemical variation, residue mobility, and thermodynamic stability) indicates that this missense variant is expected to disrupt FBN1 protein function with a positive predictive value of 95%. In summary, the available evidence is currently insufficient to determine the role of this variant in disease. Therefore, it has been classified as a Variant of Uncertain Significance.

Color Diagnostics, LLC DBA Color Health
Classification: Uncertain significance for Familial thoracic aortic aneurysm and aortic dissection. Last evaluated: 2024-06-25. Review status: criteria provided, single submitter. Criteria: ACMG Guidelines, 2015. Collection method: clinical testing. Allele origin: germline.
Comment: This missense variant replaces tyrosine with phenylalanine at codon 2236 of the FBN1 protein. Computational prediction tools indicate that this variant has a deleterious impact on protein structure and function. To our knowledge, functional studies have not been reported for this variant. This variant has not been reported in individuals affected with FBN1-related disorders in the literature. This variant has not been identified in the general population by the Genome Aggregation Database (gnomAD). The available evidence is insufficient to determine the role of this variant in disease conclusively. Therefore, this variant is classified as a Variant of Uncertain Significance.

All of Us Research Program, National Institutes of Health
Classification: Uncertain significance for Marfan syndrome. Last evaluated: 2023-12-01. Review status: criteria provided, single submitter. Criteria: ACMG Guidelines, 2015. Collection method: clinical testing. Allele origin: germline. Inheritance: Autosomal dominant inheritance. Observed: 4 variant alleles, 4 heterozygotes.
Comment: This missense variant replaces tyrosine with phenylalanine at codon 2236 of the FBN1 protein. Computational prediction suggests that this variant may have deleterious impact on protein structure and function (internally defined REVEL score threshold >= 0.7, PMID: 27666373). To our knowledge, functional studies have not been reported for this variant. This variant has not been reported in individuals affected with FBN1-related disorders in the literature. This variant has not been identified in the general population by the Genome Aggregation Database (gnomAD). The available evidence is insufficient to determine the role of this variant in disease conclusively. Therefore, this variant is classified as a Variant of Uncertain Significance.

This study involves interpretation of variants in research participants for the purpose of population health screening. Participant phenotype was not available at the time of variant classification. Additional details can be found in publication PMID: 35346344, PMCID: PMC8962531

GeneDx
Classification: Uncertain significance. Last evaluated: 2015-11-16. Review status: criteria provided, single submitter. Criteria: GeneDx Variant Classification (06012015). Collection method: clinical testing. Allele origin: germline. Affected: yes.
Comment: The Y2236F variant has not been published as a pathogenic variant, nor has it been reported as a benign variant to our knowledge. The Y2236F variant was not observed with any significant frequency in approximately 6,500 individuals of European and African American ancestry in the NHLBI Exome Sequencing Project, indicating it is not a common benign variant in these populations. The Y2236F variant is a non-conservative amino acid substitution, which is likely to impact secondary protein structure as these residues differ in polarity, charge, size and/or other properties. This substitution occurs at a position that is conserved across species. Missense variants in nearby residues (C2232R, C2232Y, P2233R, V2234M) have been reported in the Human Gene Mutation Database in association with Marfan syndrome (Stenson et al., 2014), supporting the functional importance of this region of the protein. Nevertheless, in silico analysis is inconsistent in its predictions as to whether or not the variant is damaging to the protein structure/function. Furthermore, the Y2236F variant does not affect a Cysteine residue within a calcium-binding EGF-like domain of the FBN1 gene. Cysteine substitutions in the calcium-binding EGF-like domains represent the majority of pathogenic missense changes associated with (Marfan syndrome (Collod-Beroud et al., 2003).Therefore, based on the currently available information, it is unclear whether this variant is a pathogenic variant or a rare benign variant.

NM_000138.5(FBN1):c.6707A>T (p.Tyr2236Phe)

Gene: FBN1 (fibrillin 1; minus strand). Cytogenetic location: 15q21.1.
Variant type: single nucleotide variant.
Coding change: c.6707A>T on transcript NM_000138.5 (MANE Select); coding-DNA position 6707, A replaced by T.
Protein change: p.Tyr2236Phe; replaces tyrosine 2236 with phenylalanine.
Molecular consequence: missense variant.
Genome position (GRCh38, 1-based): chr15:48,432,898, T>A on the plus strand (A>T on the coding strand, the complement: FBN1 is on the minus strand). VCF-style: chr15-48432898-T-A. GRCh37 (hg19) VCF-style: chr15-48725095-T-A.
Other names: p.Y2236F:TAT>TTT; short protein forms Y2236F.
Identifiers: ClinVar variation 200092 (VCV000200092.8), dbSNP rs368439899, ClinGen allele CA016693.